The following is an entry in ClinVar:

NM_018474.6(KIZ):c.1339G>A (p.Ala447Thr)

Gene: KIZ (kizuna centrosomal protein; plus strand). Cytogenetic location: 20p11.23.
Variant type: single nucleotide variant.
Coding change: c.1339G>A on transcript NM_018474.6 (MANE Select); coding-DNA position 1339, G replaced by A.
Protein change: p.Ala447Thr; replaces alanine 447 with threonine.
Molecular consequence: missense variant.
Genome position (GRCh38, 1-based): chr20:21,163,146, G>A. VCF-style: chr20-21163146-G-A. GRCh37 (hg19) VCF-style: chr20-21143787-G-A.
Other names: c.1030G>A, p.Ala344Thr (NM_001163022.3, NM_001352435.2); c.940G>A, p.Ala314Thr (NM_001163023.3); c.1192G>A, p.Ala398Thr (NM_001276389.2); c.1339G>A, p.Ala447Thr (NM_001352434.2); c.997G>A, p.Ala333Thr (NM_001352436.2); c.1339G>A (NM_018474.4); short protein forms A314T, A447T, A333T, A344T, A398T.
Identifiers: ClinVar variation 1915463 (VCV001915463.5), dbSNP rs775768261, ClinGen allele CA9784816.

ClinVar aggregate classification (germline): Uncertain significance. Review status: criteria provided, multiple submitters, no conflicts (2 of 4 stars). 3 submissions from 3 submitters: Uncertain significance (3). Last evaluated 2025-03-26.

Allele frequency attached by ClinVar (database versions not stated): ExAC 0.00003; gnomAD 0.00003; TOPMed 0.00008.
gnomAD v4.1: 28 of 1,607,156 alleles (0.0017%); highest among the groups gnomAD compares: Middle Eastern, 0.033%; no homozygotes.

Submissions (3):

Ambry Genetics
Classification: Uncertain significance. Last evaluated: 2025-03-26. Review status: criteria provided, single submitter. Criteria: Ambry Variant Classification Scheme 2023. Collection method: clinical testing. Allele origin: germline.

Labcorp Genetics (formerly Invitae), Labcorp
Classification: Uncertain significance. Last evaluated: 2024-10-29. Review status: criteria provided, single submitter. Criteria: Invitae Variant Classification Sherloc (09022015). Collection method: clinical testing. Allele origin: germline.
Comment: This sequence change replaces alanine, which is neutral and non-polar, with threonine, which is neutral and polar, at codon 447 of the KIZ protein (p.Ala447Thr). This variant is present in population databases (rs775768261, gnomAD 0.009%). This variant has not been reported in the literature in individuals affected with KIZ-related conditions. ClinVar contains an entry for this variant (Variation ID: 1915463). Experimental studies and prediction algorithms are not available or were not evaluated, and the functional significance of this variant is currently unknown. In summary, the available evidence is currently insufficient to determine the role of this variant in disease. Therefore, it has been classified as a Variant of Uncertain Significance.

Blueprint Genetics
Classification: Uncertain significance. Last evaluated: 2022-08-17. Review status: criteria provided, single submitter. Criteria: ACMG Guidelines, 2015. Collection method: clinical testing. Allele origin: germline.